The following is an entry in ClinVar:

NM_000441.2(SLC26A4):c.2035-2A>C

Gene: SLC26A4 (solute carrier family 26 member 4; plus strand). Cytogenetic location: 7q22.3.
Variant type: single nucleotide variant.
Coding change: c.2035-2A>C on transcript NM_000441.2 (MANE Select); the canonical splice acceptor site of the intron before coding-DNA position 2035, A replaced by C.
Molecular consequence: splice acceptor variant.
Genome position (GRCh38, 1-based): chr7:107,704,329, A>C. VCF-style: chr7-107704329-A-C. GRCh37 (hg19) VCF-style: chr7-107344774-A-C.
Identifiers: ClinVar variation 2678932 (VCV002678932.2), dbSNP rs748722289, ClinGen allele CA368844194.

ClinVar aggregate classification (germline): Likely pathogenic. Review status: criteria provided, multiple submitters, no conflicts (2 of 4 stars). 2 submissions from 2 submitters: Likely pathogenic (2). Last evaluated 2025-12-08.

Conditions:
Autosomal recessive nonsyndromic hearing loss 4 (DFNB4). Also called: Enlarged vestibular aqueduct, digenic; Deafness, autosomal recessive 4, with enlarged vestibular aqueduct; FOXI1-Related Pendred Syndrome; KCNJ10-Related Pendred Syndrome; DEAFNESS, AUTOSOMAL RECESSIVE 4, WITH ENLARGED VESTIBULAR AQUEDUCT, DIGENIC; NEUROSENSORY NONSYNDROMIC RECESSIVE DEAFNESS 4. Identifiers: Orphanet 90636, MedGen C3538946, MONDO:0010933, OMIM 600791.

Allele frequency attached by ClinVar (database versions not stated): TOPMed below 0.00001.

Submissions (2):

Labcorp Genetics (formerly Invitae), Labcorp
Classification: Likely pathogenic. Last evaluated: 2025-12-08. Review status: criteria provided, single submitter. Criteria: Invitae Variant Classification Sherloc (09022015). Collection method: clinical testing. Allele origin: germline.
Comment: This sequence change affects an acceptor splice site in intron 17 of the SLC26A4 gene. It is expected to disrupt RNA splicing. Variants that disrupt the donor or acceptor splice site typically lead to a loss of protein function (PMID: 16199547), and loss-of-function variants in SLC26A4 are known to be pathogenic (PMID: 16283880, 25394566, 26252218, 26445815). This variant is not present in population databases (gnomAD no frequency). This variant has not been reported in the literature in individuals affected with SLC26A4-related conditions. ClinVar contains an entry for this variant (Variation ID: 2678932). Algorithms developed to predict the effect of sequence changes on RNA splicing suggest that this variant may disrupt the consensus splice site. In summary, the currently available evidence indicates that the variant is pathogenic, but additional data are needed to prove that conclusively. Therefore, this variant has been classified as Likely Pathogenic.

Baylor Genetics
Classification: Likely pathogenic for Autosomal recessive nonsyndromic hearing loss 4. Last evaluated: 2023-01-11. Review status: criteria provided, single submitter. Criteria: ACMG Guidelines, 2015. Collection method: clinical testing. Allele origin: unknown.

Literature cited by the submitters: PubMed 16199547 (cited by Labcorp Genetics (formerly Invitae), Labcorp); PubMed 16283880 (cited by Labcorp Genetics (formerly Invitae), Labcorp); PubMed 25394566 (cited by Labcorp Genetics (formerly Invitae), Labcorp); PubMed 26252218 (cited by Labcorp Genetics (formerly Invitae), Labcorp); PubMed 26445815 (cited by Labcorp Genetics (formerly Invitae), Labcorp).